The following is an entry in ClinVar:

ClinVar aggregate classification (germline): Uncertain significance (1 of 4 stars; one submission).

Allele frequency attached by ClinVar (database versions not stated): ExAC 0.00003; gnomAD exomes 0.00003 and 0.00006; gnomAD 0.00007 and 0.00008; TOPMed 0.00009; 1000 Genomes Project 30x 0.00016; 1000 Genomes Project 0.00020.
gnomAD v4.1: 77 of 1,614,150 alleles (0.0048%); highest among the groups gnomAD compares: Middle Eastern, 0.016%; no homozygotes.

Submission:

Labcorp Genetics (formerly Invitae), Labcorp
Classification: Uncertain significance. Last evaluated: 2024-07-31. Review status: criteria provided, single submitter. Criteria: Invitae Variant Classification Sherloc (09022015). Collection method: clinical testing. Allele origin: germline.
Comment: This sequence change replaces arginine, which is basic and polar, with cysteine, which is neutral and slightly polar, at codon 54 of the LIPG protein (p.Arg54Cys). This variant is present in population databases (rs61761314, gnomAD 0.04%), and has an allele count higher than expected for a pathogenic variant. This variant has not been reported in the literature in individuals affected with LIPG-related conditions. ClinVar contains an entry for this variant (Variation ID: 1490993). An algorithm developed to predict the effect of missense changes on protein structure and function (PolyPhen-2) suggests that this variant is likely to be tolerated. Experimental studies have shown that this missense change affects LIPG function (PMID: 23536757). In summary, the available evidence is currently insufficient to determine the role of this variant in disease. Therefore, it has been classified as a Variant of Uncertain Significance.

Literature cited by the submitters: PubMed 23536757.

NM_006033.4(LIPG):c.160C>T (p.Arg54Cys)

Gene: LIPG (lipase G, endothelial type; plus strand). Cytogenetic location: 18q21.1.
Variant type: single nucleotide variant.
Coding change: c.160C>T on transcript NM_006033.4 (MANE Select); coding-DNA position 160, C replaced by T.
Protein change: p.Arg54Cys; replaces arginine 54 with cysteine.
Molecular consequence: missense variant.
Genome position (GRCh38, 1-based): chr18:49,565,379, C>T. VCF-style: chr18-49565379-C-T. GRCh37 (hg19) VCF-style: chr18-47091749-C-T.
Other names: c.160C>T, p.Arg54Cys (NM_001308006.2); short protein forms R54C.
Identifiers: ClinVar variation 1490993 (VCV001490993.6), dbSNP rs61761314, ClinGen allele CA8959004.